The following is an entry in ClinVar:

NM_005477.3(HCN4):c.1631C>T (p.Pro544Leu)

Gene: HCN4 (hyperpolarization activated cyclic nucleotide gated potassium channel 4; minus strand). Cytogenetic location: 15q24.1.
Variant type: single nucleotide variant.
Coding change: c.1631C>T on transcript NM_005477.3 (MANE Select); coding-DNA position 1631, C replaced by T.
Protein change: p.Pro544Leu; replaces proline 544 with leucine.
Molecular consequence: missense variant.
Genome position (GRCh38, 1-based): chr15:73,325,404, G>A on the plus strand (C>T on the coding strand, the complement: HCN4 is on the minus strand). VCF-style: chr15-73325404-G-A. GRCh37 (hg19) VCF-style: chr15-73617745-G-A.
Other names: short protein forms P544L.
Identifiers: ClinVar variation 2323150 (VCV002323150.5), dbSNP rs769565744, ClinGen allele CA7649246.

ClinVar aggregate classification (germline): Uncertain significance. Review status: criteria provided, multiple submitters, no conflicts (2 of 4 stars). 2 submissions from 2 submitters: Uncertain significance (2). Last evaluated 2023-11-17.

Conditions:
Cardiovascular phenotype. Identifiers: MedGen CN230736.
Brugada syndrome 8 (BRGDA8). Identifiers: Orphanet 130, MedGen C2751083, MONDO:0013148, OMIM 613123.

Allele frequency attached by ClinVar (database versions not stated): ExAC 0.00001; gnomAD exomes 0.00001.

Submissions (2):

Labcorp Genetics (formerly Invitae), Labcorp
Classification: Uncertain significance for Brugada syndrome 8. Last evaluated: 2023-11-17. Review status: criteria provided, single submitter. Criteria: Invitae Variant Classification Sherloc (09022015). Collection method: clinical testing. Allele origin: germline.
Comment: This sequence change replaces proline, which is neutral and non-polar, with leucine, which is neutral and non-polar, at codon 544 of the HCN4 protein (p.Pro544Leu). This variant is present in population databases (rs769565744, gnomAD 0.006%). This variant has not been reported in the literature in individuals affected with HCN4-related conditions. ClinVar contains an entry for this variant (Variation ID: 2323150). Advanced modeling of protein sequence and biophysical properties (such as structural, functional, and spatial information, amino acid conservation, physicochemical variation, residue mobility, and thermodynamic stability) has been performed at Invitae for this missense variant, however the output from this modeling did not meet the statistical confidence thresholds required to predict the impact of this variant on HCN4 protein function. In summary, the available evidence is currently insufficient to determine the role of this variant in disease. Therefore, it has been classified as a Variant of Uncertain Significance.

Ambry Genetics
Classification: Uncertain significance for Cardiovascular phenotype. Last evaluated: 2023-05-11. Review status: criteria provided, single submitter. Criteria: Ambry Variant Classification Scheme 2023. Collection method: clinical testing. Allele origin: germline.
Comment: The p.P544L variant (also known as c.1631C>T), located in coding exon 5 of the HCN4 gene, results from a C to T substitution at nucleotide position 1631. The proline at codon 544 is replaced by leucine, an amino acid with similar properties. This amino acid position is conserved. In addition, this alteration is predicted to be deleterious by in silico analysis. Since supporting evidence is limited at this time, the clinical significance of this alteration remains unclear.